The following is an entry in ClinVar:

ClinVar aggregate classification (germline): Uncertain significance (1 of 4 stars; one submission).

Conditions:
Deficiency of alpha-mannosidase (MANSA). Also called: Mannosidosis, alpha-, types I and II; Alpha-Mannosidosis; LYSOSOMAL ALPHA-D-MANNOSIDASE DEFICIENCY. Identifiers: Orphanet 61, MedGen C0024748, MONDO:0009561, OMIM 248500.

Allele frequency attached by ClinVar (database versions not stated): TOPMed below 0.00001.

Submission:

Labcorp Genetics (formerly Invitae), Labcorp
Classification: Uncertain significance for Deficiency of alpha-mannosidase. Last evaluated: 2022-05-21. Review status: criteria provided, single submitter. Criteria: Invitae Variant Classification Sherloc (09022015). Collection method: clinical testing. Allele origin: germline.
Comment: This sequence change replaces arginine, which is basic and polar, with glycine, which is neutral and non-polar, at codon 894 of the MAN2B1 protein (p.Arg894Gly). This variant is present in population databases (rs755681471, gnomAD 0.0009%). This variant has not been reported in the literature in individuals affected with MAN2B1-related conditions. Algorithms developed to predict the effect of missense changes on protein structure and function (SIFT, PolyPhen-2, Align-GVGD) all suggest that this variant is likely to be tolerated. In summary, the available evidence is currently insufficient to determine the role of this variant in disease. Therefore, it has been classified as a Variant of Uncertain Significance.

NM_000528.4(MAN2B1):c.2680A>G (p.Arg894Gly)

Genes: MAN2B1 (mannosidase alpha class 2B member 1; minus strand), LOC130063648 (ATAC-STARR-seq lymphoblastoid active region 14063; plus strand). Cytogenetic location: 19p13.13.
Variant type: single nucleotide variant.
Coding change: c.2680A>G on transcript NM_000528.4 (MANE Select); coding-DNA position 2680, A replaced by G.
Protein change: p.Arg894Gly; replaces arginine 894 with glycine.
Molecular consequence: missense variant.
Genome position (GRCh38, 1-based): chr19:12,647,583, T>C on the plus strand (A>G on the coding strand, the complement: MAN2B1 is on the minus strand). VCF-style: chr19-12647583-T-C. GRCh37 (hg19) VCF-style: chr19-12758397-T-C.
Other names: c.2677A>G, p.Arg893Gly (NM_001173498.2); short protein forms R893G, R894G.
Identifiers: ClinVar variation 1943953 (VCV001943953.2), dbSNP rs755681471, ClinGen allele CA9225946.